The following is an entry in ClinVar:

ClinVar aggregate classification (germline): Benign. Review status: reviewed by expert panel (3 of 4 stars). 7 submissions from 7 submitters: Benign (1). 6 of the submissions do not count toward it. Last evaluated 2017-06-29.

Conditions:
Hereditary breast ovarian cancer syndrome. Also called: Hereditary breast and ovarian cancer syndrome; Hereditary breast and ovarian cancer syndrome (HBOC); BRCA1- and BRCA2-Associated Hereditary Breast and Ovarian Cancer; Breast and ovarian cancer; Hereditary breast and ovarian cancer; Hereditary breast and/or ovarian cancer syndrome. Identifiers: Orphanet 145, MedGen C0677776, MeSH D061325, MONDO:0003582. Disease mechanism: loss of function.
Breast-ovarian cancer, familial, susceptibility to, 1 (BROVCA1). Also called: OVARIAN CANCER, SUSCEPTIBILITY TO; BRCA1 Hereditary Breast and Ovarian Cancer. Identifiers: Orphanet 145, MedGen C2676676, MONDO:0011450, OMIM 604370. Disease mechanism: loss of function.
Hereditary cancer-predisposing syndrome. Also called: Hereditary Cancer Syndrome; Hereditary neoplastic syndrome; Tumor predisposition; Neoplastic Syndromes, Hereditary. Identifiers: Orphanet 140162, MedGen C0027672, MeSH D009386, MONDO:0015356.

Allele frequency attached by ClinVar (database versions not stated): gnomAD exomes below 0.00001; gnomAD 0.00001; TOPMed 0.00001.
gnomAD v4.1: 2 of 1,613,884 alleles (0.00012%); highest among the groups gnomAD compares: Non-Finnish European, 0.000085%; no homozygotes.

Submissions (7):

Evidence-based Network for the Interpretation of Germline Mutant Alleles (ENIGMA)
Classification: Benign for Breast-ovarian cancer, familial, susceptibility to, 1. Last evaluated: 2017-06-29. Review status: reviewed by expert panel. Criteria: ENIGMA BRCA1/2 Classification Criteria (2017-06-29). Collection method: curation. Allele origin: germline.
Comment: Synonymous substitution variant, with low bioinformatic likelihood to alter mRNA splicing (splicing prior 0.02) and frequency 0.0021 (Admixed American/Latino), derived from ExAC (2014-12-17).

Labcorp Genetics (formerly Invitae), Labcorp
Classification: Likely benign for Hereditary breast ovarian cancer syndrome. Last evaluated: 2025-07-09. Review status: criteria provided, single submitter. Criteria: Invitae Variant Classification Sherloc (09022015). Collection method: clinical testing. Allele origin: germline. Not counted in ClinVar's aggregate classification.

All of Us Research Program, National Institutes of Health
Classification: Likely benign for Breast-ovarian cancer, familial, susceptibility to, 1. Last evaluated: 2023-04-03. Review status: criteria provided, single submitter. Criteria: ACMG Guidelines, 2015. Collection method: clinical testing. Allele origin: germline. Inheritance: Autosomal dominant inheritance. Observed: 2 variant alleles, 2 heterozygotes. Not counted in ClinVar's aggregate classification.
Comment: This study involves interpretation of variants in research participants for the purpose of population health screening. Participant phenotype was not available at the time of variant classification. Additional details can be found in publication PMID: 35346344, PMCID: PMC8962531

Color Diagnostics, LLC DBA Color Health
Classification: Likely benign for Hereditary cancer-predisposing syndrome. Last evaluated: 2022-04-22. Review status: criteria provided, single submitter. Criteria: ACMG Guidelines, 2015. Collection method: clinical testing. Allele origin: germline. Not counted in ClinVar's aggregate classification.

Mendelics
Classification: Likely benign for Breast-ovarian cancer, familial, susceptibility to, 1. Last evaluated: 2019-05-28. Review status: criteria provided, single submitter. Criteria: Mendelics Assertion Criteria 2017. Collection method: clinical testing. Allele origin: unknown. Not counted in ClinVar's aggregate classification.

GeneDx
Classification: Likely benign. Last evaluated: 2018-11-30. Review status: criteria provided, single submitter. Criteria: GeneDx Variant Classification Process June 2021. Collection method: clinical testing. Allele origin: germline. Affected: yes. Not counted in ClinVar's aggregate classification.

Ambry Genetics
Classification: Likely benign for Hereditary cancer-predisposing syndrome. Last evaluated: 2014-12-30. Review status: criteria provided, single submitter. Criteria: Ambry Variant Classification Scheme 2023. Collection method: clinical testing. Allele origin: germline. Not counted in ClinVar's aggregate classification.

NM_007294.4(BRCA1):c.3432G>A (p.Gln1144=)

Genes: BRCA1 (BRCA1 DNA repair associated; minus strand), LOC126862571 (BRD4-independent group 4 enhancer GRCh37_chr17:41243136-41244335; plus strand). Cytogenetic location: 17q21.31.
Variant type: single nucleotide variant.
Coding change: c.3432G>A on transcript NM_007294.4 (MANE Select); coding-DNA position 3432, G replaced by A.
Protein change: p.Gln1144=; no amino-acid change (glutamine 1144 retained).
Molecular consequence: synonymous variant. On other transcripts: intron variant (135).
Genome position (GRCh38, 1-based): chr17:43,092,099, C>T on the plus strand (G>A on the coding strand, the complement: BRCA1 is on the minus strand). VCF-style: chr17-43092099-C-T. GRCh37 (hg19) VCF-style: chr17-41244116-C-T.
Other names: c.3306G>A, p.Gln1102= (NM_001407690.1, NM_001407691.1, NM_001407649.1 and 11 more transcripts); c.3291G>A, p.Gln1097= (NM_001407692.1, NM_001407694.1, NM_001407695.1 and 29 more transcripts); c.3219G>A, p.Gln1073= (NM_001407571.1, NM_001407853.1, NM_001407894.1 and 9 more transcripts); c.3432G>A, p.Gln1144= (NM_001407581.1, NM_001407582.1, NM_001407583.1 and 30 more transcripts); c.3429G>A, p.Gln1143= (NM_001407587.1, NM_001407590.1, NM_001407591.1 and 22 more transcripts); c.3288G>A, p.Gln1096= (NM_001407740.1, NM_001407741.1, NM_001407742.1 and 20 more transcripts); c.3231G>A, p.Gln1077= (NM_001407862.1); c.3309G>A, p.Gln1103= (NM_001407863.1, NM_001407648.1, NM_001407664.1 and 19 more transcripts); and 41 more.
Identifiers: ClinVar variation 187223 (VCV000187223.22), dbSNP rs80356922, ClinGen allele CA002220.